The following is an entry in ClinVar:

NM_001308210.2(TSHZ1):c.1028C>T (p.Ala343Val)

Gene: TSHZ1 (teashirt zinc finger homeobox 1; plus strand). Cytogenetic location: 18q22.3.
Variant type: single nucleotide variant.
Coding change: c.1028C>T on transcript NM_001308210.2 (MANE Select); coding-DNA position 1028, C replaced by T.
Protein change: p.Ala343Val; replaces alanine 343 with valine.
Molecular consequence: missense variant.
Genome position (GRCh38, 1-based): chr18:75,286,435, C>T. VCF-style: chr18-75286435-C-T. GRCh37 (hg19) VCF-style: chr18-72998390-C-T.
Other names: c.893C>T, p.Ala298Val (NM_005786.6); short protein forms A298V, A343V.
Identifiers: ClinVar variation 1049844 (VCV001049844.1), dbSNP rs2023764946, ClinGen allele CA402780796.

ClinVar aggregate classification (germline): Uncertain significance (0 of 4 stars; one submission).

Submission:

Department of Pathology and Laboratory Medicine, Sinai Health System
Classification: Uncertain significance. Review status: no assertion criteria provided. Collection method: clinical testing. Allele origin: unknown. Affected: yes. Study: The Canadian Open Genetics Repository (COGR).
Comment: The TSHZ1 p.Ala298Val variant was not identified in the literature nor was it identified in dbSNP, ClinVar, Cosmic, LOVD 3.0 or in the following control databases: the 1000 Genomes Project, the NHLBI GO Exome Sequencing Project, the Exome Aggregation Consortium (August 8th 2016), or the Genome Aggregation Database (Feb 27, 2017). The p.Ala298 residue is conserved across mammals and other organisms, and four out of five computational analyses (PolyPhen-2, SIFT, AlignGVGD, MutationTaster) suggest that the variant may impact the protein; however, this information is not predictive enough to assume pathogenicity. The variant occurs outside of the splicing consensus sequence and in silico or computational prediction software programs (SpliceSiteFinder, MaxEntScan, NNSPLICE, GeneSplicer) do not predict a difference in splicing. In summary, based on the above information the clinical significance of this variant cannot be determined with certainty at this time. This variant is classified as a variant of uncertain significance.